The following is an entry in ClinVar:

NM_002474.3(MYH11):c.5454G>A (p.Ala1818=)

Genes: MYH11 (myosin heavy chain 11; minus strand), NDE1 (nudE neurodevelopment protein 1; plus strand). Cytogenetic location: 16p13.11.
Variant type: single nucleotide variant.
Coding change: c.5454G>A on transcript NM_002474.3 (MANE Select); coding-DNA position 5454, G replaced by A.
Protein change: p.Ala1818=; no amino-acid change (alanine 1818 retained).
Molecular consequence: synonymous variant. On other transcripts: intron variant (2).
Genome position (GRCh38, 1-based): chr16:15,717,190, C>T on the plus strand (G>A on the coding strand, the complement: MYH11 is on the minus strand). VCF-style: chr16-15717190-C-T. GRCh37 (hg19) VCF-style: chr16-15811047-C-T.
Other names: c.5475G>A, p.Ala1825= (NM_001040113.2, NM_001040114.2); c.5454G>A, p.Ala1818= (NM_022844.3); c.948-7001C>T (NM_001143979.2, NM_017668.3).
Identifiers: ClinVar variation 512423 (VCV000512423.25), dbSNP rs374486989, ClinGen allele CA7921265.

ClinVar aggregate classification (germline): Conflicting classifications of pathogenicity. Review status: criteria provided, conflicting classifications (1 of 4 stars). 6 submissions from 6 submitters: Uncertain significance (1); Likely benign (5). Last evaluated 2024-08-06.

Conditions:
Aortic aneurysm, familial thoracic 4 (AAT4). Also called: AORTIC ANEURYSM/AORTIC DISSECTION AND PATENT DUCTUS ARTERIOSUS. Identifiers: MedGen C1851504, MONDO:0007568, OMIM 132900.
Familial thoracic aortic aneurysm and aortic dissection (TAAD). Also called: Thoracic aortic aneurysms and dissections. Identifiers: Orphanet 91387, MedGen C4707243, MONDO:0019625.

Allele frequency attached by ClinVar (database versions not stated): ExAC 0.00002; gnomAD exomes 0.00002; TOPMed 0.00002; gnomAD 0.00004; ESP Exome Variant Server 0.00008.
gnomAD v4.1: 42 of 1,614,062 alleles (0.0026%); highest among the groups gnomAD compares: East Asian, 0.0045%; no homozygotes.

Submissions (6):

All of Us Research Program, National Institutes of Health
Classification: Likely benign for Familial thoracic aortic aneurysm and aortic dissection. Last evaluated: 2024-08-06. Review status: criteria provided, single submitter. Criteria: ACMG Guidelines, 2015. Collection method: clinical testing. Allele origin: germline. Inheritance: Autosomal dominant inheritance. Observed: 4 variant alleles, 4 heterozygotes.
Comment: This study involves interpretation of variants in research participants for the purpose of population health screening. Participant phenotype was not available at the time of variant classification. Additional details can be found in publication PMID: 35346344, PMCID: PMC8962531

Labcorp Genetics (formerly Invitae), Labcorp
Classification: Likely benign for Aortic aneurysm, familial thoracic 4. Last evaluated: 2024-07-13. Review status: criteria provided, single submitter. Criteria: Invitae Variant Classification Sherloc (09022015). Collection method: clinical testing. Allele origin: germline.

Ambry Genetics
Classification: Likely benign for Familial thoracic aortic aneurysm and aortic dissection. Last evaluated: 2022-04-04. Review status: criteria provided, single submitter. Criteria: Ambry Variant Classification Scheme 2023. Collection method: clinical testing. Allele origin: germline.

GeneDx
Classification: Likely benign. Last evaluated: 2019-02-15. Review status: criteria provided, single submitter. Criteria: GeneDx Variant Classification Process June 2021. Collection method: clinical testing. Allele origin: germline. Affected: yes.

Color Diagnostics, LLC DBA Color Health
Classification: Likely benign for Familial thoracic aortic aneurysm and aortic dissection. Last evaluated: 2018-11-08. Review status: criteria provided, single submitter. Criteria: ACMG Guidelines, 2015. Collection method: clinical testing. Allele origin: germline.

Illumina Laboratory Services, Illumina
Classification: Uncertain significance for Aortic aneurysm, familial thoracic 4. Last evaluated: 2018-01-13. Review status: criteria provided, single submitter. Criteria: ICSL Variant Classification Criteria 13 December 2019. Collection method: clinical testing. Allele origin: germline.